The following is an entry in ClinVar:

ClinVar aggregate classification (germline): Likely benign (1 of 4 stars; one submission).

Submission:

GeneDx
Classification: Likely benign. Last evaluated: 2017-04-14. Review status: criteria provided, single submitter. Criteria: GeneDx Variant Classification (06012015). Collection method: clinical testing. Allele origin: germline. Affected: yes.
Comment: This variant is considered likely benign or benign based on one or more of the following criteria: it is a conservative change, it occurs at a poorly conserved position in the protein, it is predicted to be benign by multiple in silico algorithms, and/or has population frequency not consistent with disease.

NM_025219.3(DNAJC5):c.450G>T (p.Val150=)

Gene: DNAJC5 (DnaJ heat shock protein family (Hsp40) member C5; plus strand). Cytogenetic location: 20q13.33.
Variant type: single nucleotide variant.
Coding change: c.450G>T on transcript NM_025219.3 (MANE Select); coding-DNA position 450, G replaced by T.
Protein change: p.Val150=; no amino-acid change (valine 150 retained).
Molecular consequence: synonymous variant.
Genome position (GRCh38, 1-based): chr20:63,930,979, G>T. VCF-style: chr20-63930979-G-T. GRCh37 (hg19) VCF-style: chr20-62562332-G-T.
Identifiers: ClinVar variation 511565 (VCV000511565.1), dbSNP rs1555880272, ClinGen allele CA511377082.